The following is an entry in ClinVar:

NM_025144.4(ALPK1):c.2475G>C (p.Trp825Cys)

Gene: ALPK1 (alpha kinase 1; plus strand). Cytogenetic location: 4q25.
Variant type: single nucleotide variant.
Coding change: c.2475G>C on transcript NM_025144.4 (MANE Select); coding-DNA position 2475, G replaced by C.
Protein change: p.Trp825Cys; replaces tryptophan 825 with cysteine.
Molecular consequence: missense variant.
Genome position (GRCh38, 1-based): chr4:112,432,022, G>C. VCF-style: chr4-112432022-G-C. GRCh37 (hg19) VCF-style: chr4-113353178-G-C.
Other names: c.2475G>C, p.Trp825Cys (NM_001102406.2); c.2241G>C, p.Trp747Cys (NM_001253884.2); short protein forms W747C, W825C.
Identifiers: ClinVar variation 3643615 (VCV003643615.2).

ClinVar aggregate classification (germline): Uncertain significance (1 of 4 stars; one submission).

Submission:

Labcorp Genetics (formerly Invitae), Labcorp
Classification: Uncertain significance. Last evaluated: 2024-02-28. Review status: criteria provided, single submitter. Criteria: Invitae Variant Classification Sherloc (09022015). Collection method: clinical testing. Allele origin: germline.
Comment: This sequence change replaces tryptophan, which is neutral and slightly polar, with cysteine, which is neutral and slightly polar, at codon 825 of the ALPK1 protein (p.Trp825Cys). This variant is not present in population databases (gnomAD no frequency). This variant has not been reported in the literature in individuals affected with ALPK1-related conditions. Advanced modeling of protein sequence and biophysical properties (such as structural, functional, and spatial information, amino acid conservation, physicochemical variation, residue mobility, and thermodynamic stability) performed at Invitae indicates that this missense variant is not expected to disrupt ALPK1 protein function with a negative predictive value of 80%. In summary, the available evidence is currently insufficient to determine the role of this variant in disease. Therefore, it has been classified as a Variant of Uncertain Significance.